The following is an entry in ClinVar:

ClinVar aggregate classification (germline): Likely benign (0 of 4 stars; one submission).

Conditions:
ABCB4-related disorder. Also called: ABCB4-related disorders; ABCB4-related condition.

Submission:

PreventionGenetics, part of Exact Sciences
Classification: Likely benign for ABCB4-related condition. Last evaluated: 2023-10-11. Review status: no assertion criteria provided. Collection method: clinical testing. Allele origin: germline.
Comment: This variant is classified as likely benign based on ACMG/AMP sequence variant interpretation guidelines (Richards et al. 2015 PMID: 25741868, with internal and published modifications).

NM_000443.4(ABCB4):c.1602T>C (p.Ser534=)

Gene: ABCB4 (ATP binding cassette subfamily B member 4; minus strand). Cytogenetic location: 7q21.12.
Variant type: single nucleotide variant.
Coding change: c.1602T>C on transcript NM_000443.4 (MANE Select); coding-DNA position 1602, T replaced by C.
Protein change: p.Ser534=; no amino-acid change (serine 534 retained).
Molecular consequence: synonymous variant.
Genome position (GRCh38, 1-based): chr7:87,439,796, A>G on the plus strand (T>C on the coding strand, the complement: ABCB4 is on the minus strand). VCF-style: chr7-87439796-A-G. GRCh37 (hg19) VCF-style: chr7-87069112-A-G.
Other names: c.1602T>C, p.Ser534= (NM_018849.3, NM_018850.3).
Identifiers: ClinVar variation 3057424 (VCV003057424.2), dbSNP rs2546828121, ClinGen allele CA456348982.
Genomic context (GRCh38, chr7:87,439,796, plus strand): 5'-AAGGATCTTGGGGTTGCGAACCAGGGCACGTGCAATGGCGATCCTCTGCTTCTGCCCACC[A>G]CTCAGCTGGGCCCCTCTCTCTCCAACCAGGGTGTCAAATTTCTAACACAGAAAACATGGA-3'
Protein context (NP_000434.1, residues 524-544): TLVGERGAQL[Ser534=]GGQKQRIAIA